The following is an entry in ClinVar:

NM_030973.4(MED25):c.189dup (p.Thr64fs)

Gene: MED25 (mediator complex subunit 25; plus strand). Cytogenetic location: 19q13.33.
Variant type: Duplication.
Coding change: c.189dup on transcript NM_030973.4 (MANE Select); coding-DNA position 189, one base duplicated (G; older notation c.189dupG).
Protein change: p.Thr64fs; shifts the reading frame from threonine 64.
Molecular consequence: frameshift variant.
Genome position (GRCh38, 1-based): chr19:49,819,180, G duplicated; the last of 6 consecutive G bases (chr19:49,819,175-49,819,180); duplicating any one gives the same sequence. VCF-style (leftmost placement, unchanged base first): chr19-49819174-T-TG. GRCh37 (hg19) VCF-style: chr19-50322431-T-TG.
Other names: c.189dup, p.Thr64fs (NM_001378355.1); short protein forms T64fs.
Identifiers: ClinVar variation 2166877 (VCV002166877.4), dbSNP rs1251504753, ClinGen allele CA633657858.
Genomic context (GRCh38, chr19:49,819,174, plus strand): 5'-TCTAAGGGAAAAGGGAATTGAGGTCCCAGATTAAAAGTTTTCTGTCCTCCCCTCCCAGTA[T>TG]GGGGGGACCCAGTACAGCCTCGTGGTGTTCAACACAGTGGACTGCGCTCCCGAGTCCTAC-3'

ClinVar aggregate classification (germline): Uncertain significance (1 of 4 stars; one submission).

Conditions:
Charcot-Marie-Tooth disease type 2. Also called: Charcot-Marie-Tooth type 2. Identifiers: Orphanet 64746, MedGen C0270914, MONDO:0018993.

Submission:

Labcorp Genetics (formerly Invitae), Labcorp
Classification: Uncertain significance for Charcot-Marie-Tooth disease type 2. Last evaluated: 2022-02-10. Review status: criteria provided, single submitter. Criteria: Invitae Variant Classification Sherloc (09022015). Collection method: clinical testing. Allele origin: germline.
Comment: In summary, the available evidence is currently insufficient to determine the role of this variant in disease. Therefore, it has been classified as a Variant of Uncertain Significance. This variant has not been reported in the literature in individuals affected with MED25-related conditions. This variant is present in population databases (no rsID available, gnomAD 0.004%). This sequence change creates a premature translational stop signal (p.Thr64Aspfs*30) in the MED25 gene. It is expected to result in an absent or disrupted protein product. However, the current clinical and genetic evidence is not sufficient to establish whether loss-of-function variants in MED25 cause disease.